The following is an entry in ClinVar:

NM_198578.4(LRRK2):c.812G>T (p.Cys271Phe)

Gene: LRRK2 (leucine rich repeat kinase 2; plus strand). Cytogenetic location: 12q12.
Variant type: single nucleotide variant.
Coding change: c.812G>T on transcript NM_198578.4 (MANE Select); coding-DNA position 812, G replaced by T.
Protein change: p.Cys271Phe; replaces cysteine 271 with phenylalanine.
Molecular consequence: missense variant.
Genome position (GRCh38, 1-based): chr12:40,243,655, G>T. VCF-style: chr12-40243655-G-T. GRCh37 (hg19) VCF-style: chr12-40637457-G-T.
Other names: short protein forms C271F.
Identifiers: ClinVar variation 1762127 (VCV001762127.2), dbSNP rs2499456312, ClinGen allele CA384406067.

ClinVar aggregate classification (germline): Uncertain significance (1 of 4 stars; one submission).

Conditions:
Inborn genetic diseases. Identifiers: MedGen C0950123, MeSH D030342.

Submission:

Ambry Genetics
Classification: Uncertain significance for Inborn genetic diseases. Last evaluated: 2022-02-22. Review status: criteria provided, single submitter. Criteria: Ambry Variant Classification Scheme 2023. Collection method: clinical testing. Allele origin: germline.
Comment: The p.C271F variant (also known as c.812G>T), located in coding exon 7 of the LRRK2 gene, results from a G to T substitution at nucleotide position 812. The cysteine at codon 271 is replaced by phenylalanine, an amino acid with highly dissimilar properties. This amino acid position is conserved. In addition, this alteration is predicted to be deleterious by in silico analysis. Since supporting evidence is limited at this time, the clinical significance of this alteration remains unclear.